The following is an entry in ClinVar:

ClinVar aggregate classification (germline): Likely pathogenic (1 of 4 stars; one submission).

Conditions:
Dehydrated hereditary stomatocytosis with or without pseudohyperkalemia and/or perinatal edema (DHS1). Also called: PSEUDOHYPERKALEMIA EDINBURGH; DEHYDRATED HEREDITARY STOMATOCYTOSIS AND PSEUDOHYPERKALEMIA; DEHYDRATED HEREDITARY STOMATOCYTOSIS WITH PSEUDOHYPERKALEMIA AND PERINATAL EDEMA; Pseudohyperkalemia, familial, 1, due to red cell leak; Dehydrated hereditary stomatocytosis 1 with or without pseudohyperkalemia and/or perinatal edema. Identifiers: Orphanet 3202, MedGen C4551512, MONDO:0008689, OMIM 194380.

Submission:

MVZ Medizinische Genetik Mainz
Classification: Likely pathogenic for Dehydrated hereditary stomatocytosis with or without pseudohyperkalemia and/or perinatal edema. Last evaluated: 2025-05-28. Review status: criteria provided, single submitter. Criteria: UK Practice Guidelines For Variant Classification V4 01 2020. Collection method: clinical testing. Allele origin: germline. Inheritance: Autosomal dominant inheritance. Affected: yes. Observed: 1 variant allele.
Comment: ACMG Criteria: PVS1,PM2_SUP

NM_001142864.4(PIEZO1):c.2281G>T (p.Glu761Ter)

Genes: HSALR1 (HSP90AB1 associated lncRNA 1; plus strand), PIEZO1 (piezo type mechanosensitive ion channel component 1 (Er blood group); minus strand). Cytogenetic location: 16q24.3.
Variant type: single nucleotide variant.
Coding change: c.2281G>T on transcript NM_001142864.4 (MANE Select); coding-DNA position 2281, G replaced by T.
Protein change: p.Glu761Ter; replaces glutamic acid 761 with a stop codon.
Molecular consequence: nonsense.
Genome position (GRCh38, 1-based): chr16:88,733,954, C>A on the plus strand (G>T on the coding strand, the complement: PIEZO1 is on the minus strand). VCF-style: chr16-88733954-C-A. GRCh37 (hg19) VCF-style: chr16-88800362-C-A.
Other names: short protein forms E761*.
Identifiers: ClinVar variation 3907701 (VCV003907701.1).